The following is an entry in ClinVar:

NM_000212.3(ITGB3):c.847_848del (p.Ala283fs)

Genes: ITGB3 (integrin subunit beta 3; plus strand), LOC130061045 (ATAC-STARR-seq lymphoblastoid active region 12309; plus strand). Cytogenetic location: 17q21.32.
Variant type: Deletion.
Coding change: c.847_848del on transcript NM_000212.3 (MANE Select); coding-DNA positions 847 to 848, 2 bases deleted (GC; older notation c.847_848delGC).
Protein change: p.Ala283fs; shifts the reading frame from alanine 283.
Molecular consequence: frameshift variant.
Genome position (GRCh38, 1-based): chr17:47,287,139-47,287,140, GC deleted. VCF-style (leftmost placement, unchanged base first): chr17-47287138-AGC-A. GRCh37 (hg19) VCF-style: chr17-45364504-AGC-A.
Other names: NM_000212.3:c.847_848del; short protein forms A283fs.
Identifiers: ClinVar variation 1879015 (VCV001879015.1), dbSNP rs747621401, ClinGen allele CA8623068.

ClinVar aggregate classification (germline): Pathogenic (3 of 4 stars; one submission).

Conditions:
Glanzmann thrombasthenia. Also called: PLATELET GLYCOPROTEIN IIb-IIIa DEFICIENCY; BLEEDING DISORDER, PLATELET-TYPE, 2; THROMBASTHENIA OF GLANZMANN AND NAEGELI; Thrombasthenia; Glanzmann's thrombasthenia. Identifiers: Orphanet 849, MedGen C0040015, MONDO:0100326.

Allele frequency attached by ClinVar (database versions not stated): ExAC 0.00001; gnomAD 0.00001.

Submission:

ClinGen Platelet Disorders Variant Curation Expert Panel, ClinGen
Classification: Pathogenic for Glanzmann thrombasthenia. Last evaluated: 2022-11-15. Review status: reviewed by expert panel. Criteria: ClinGen Platelet ACMG Specifications v2-1. Collection method: curation. Allele origin: germline. Inheritance: Autosomal recessive inheritance.
Comment: The NM_000212.3(ITGB3):c.847_848del (p.Ala283IlefsTer12) frameshift variant causes a premature stop codon at exon 6 and is predicted to undergo nonsense mediated decay (PVS1). This variant has been reported in one compound heterozygous individual (Patient LD in PMID:10891446 which reported the variant as c.867_868del using an alternate nucleotide numbering system, confirmed in Figure 4). One affected individual displayed abnormal bleeding and an impaired response to agonists, with a normal response to ristocetin, which is characteristic of GT). Additionally, αIIbβ3 was found to have a surface expression of 10% (<25%), as measured by flow cytometry (Patient LD in PMID:10891446; PP4_strong). The variant was found at a very low rate (0.000008796) in the European (Non-Finnish) population in gnomAD v2.1.1 (PM2_supporting). In summary, this variant meets the criteria to be classified as Pathogenic for autosomal recessive Glanzmann Thrombasthenia based on the ACMG/AMP criteria applied, as specified by the ClinGen PD VCEP: PVS1, PP4_strong, PM2_supporting (VCEP specifications version 2.1).